The following is an entry in ClinVar:

ClinVar aggregate classification (germline): Uncertain significance. Review status: criteria provided, multiple submitters, no conflicts (2 of 4 stars). 3 submissions from 3 submitters: Uncertain significance (2). 1 of the submissions does not count toward it. Last evaluated 2023-05-01.

Conditions:
Inborn genetic diseases. Identifiers: MedGen C0950123, MeSH D030342.

Allele frequency attached by ClinVar (database versions not stated): TOPMed 0.00001; gnomAD 0.00001.

Submissions (3):

GeneDx
Classification: Uncertain significance. Last evaluated: 2023-05-01. Review status: criteria provided, single submitter. Criteria: GeneDx Variant Classification Process June 2021. Collection method: clinical testing. Allele origin: germline. Affected: yes.
Comment: Not observed at significant frequency in large population cohorts (gnomAD); In silico analysis supports that this missense variant has a deleterious effect on protein structure/function; Has not been previously published as pathogenic or benign to our knowledge

Ambry Genetics
Classification: Uncertain significance for Inborn genetic diseases. Last evaluated: 2021-12-07. Review status: criteria provided, single submitter. Criteria: Ambry Variant Classification Scheme 2023. Collection method: clinical testing. Allele origin: germline.

Department of Pathology and Laboratory Medicine, Sinai Health System
Classification: Uncertain significance. Review status: no assertion criteria provided. Collection method: clinical testing. Allele origin: unknown. Affected: yes. Study: The Canadian Open Genetics Repository (COGR). Not counted in ClinVar's aggregate classification.
Comment: The EPB42 p.Asp426Glu variant was not identified in the literature nor was it identified in ClinVar, Cosmic, or LOVD 3.0. The variant was identified in dbSNP (ID: rs766853529) but was not identified in the following control databases: the 1000 Genomes Project, the NHLBI GO Exome Sequencing Project, or the Genome Aggregation Database (Feb 27, 2017). The variant occurs outside of the splicing consensus sequence and in silico splicing prediction programs (SpliceSiteFinder-like, MaxEntScan, NNSPLICE, and GeneSplicer) do not predict a greater than 10% difference in splicing. The p.Asp426 residue is conserved in mammals but not in more distantly related organisms however computational analyses (PolyPhen-2, SIFT, AlignGVGD, BLOSUM, MutationTaster) do not suggest a high likelihood of impact to the protein; this information is not predictive enough to rule out pathogenicity. In summary, based on the above information, the clinical significance of this variant cannot be determined with certainty at this time. This variant is classified as a variant of uncertain significance.

NM_001114134.2(EPB42):c.1278C>A (p.Asp426Glu)

Gene: EPB42 (erythrocyte membrane protein band 4.2; minus strand). Cytogenetic location: 15q15.2.
Variant type: single nucleotide variant.
Coding change: c.1278C>A on transcript NM_001114134.2 (MANE Select); coding-DNA position 1278, C replaced by A.
Protein change: p.Asp426Glu; replaces aspartic acid 426 with glutamic acid.
Molecular consequence: missense variant.
Genome position (GRCh38, 1-based): chr15:43,207,239, G>T on the plus strand (C>A on the coding strand, the complement: EPB42 is on the minus strand). VCF-style: chr15-43207239-G-T. GRCh37 (hg19) VCF-style: chr15-43499437-G-T.
Other names: c.1368C>A, p.Asp456Glu (NM_000119.3); c.1368C>A (NM_000119.2); short protein forms D426E, D456E.
Identifiers: ClinVar variation 1050524 (VCV001050524.5), dbSNP rs766853529, ClinGen allele CA392111379.
Genomic context (GRCh38, chr15:43,207,239, plus strand): 5'-GGCCCTTCCCTGGCCCGTACCTTCAGGATACTTGTAGTTCTGAGTGATGTCCTCGCAGCG[G>T]TCACTGCCCACACCCTTGGTGCTGATGTTGTTGCCAACATACTTTGTGTTGGAGTCAGTC-3'
Protein context (NP_001107606.1, residues 416-436): NNISTKGVGS[Asp426Glu]RCEDITQNYK